The following is an entry in ClinVar:

ClinVar aggregate classification (germline): Likely pathogenic (1 of 4 stars; one submission).

Conditions:
Developmental and epileptic encephalopathy 94 (DEE94). Also called: Epileptic encephalopathy, childhood-onset; CHD2-Related Neurodevelopmental Disorders. Identifiers: Orphanet 1942, Orphanet 2382, MedGen C3809278, MONDO:0014150, OMIM 615369.

Submission:

Labcorp Genetics (formerly Invitae), Labcorp
Classification: Likely pathogenic for Developmental and epileptic encephalopathy 94. Last evaluated: 2023-08-08. Review status: criteria provided, single submitter. Criteria: Invitae Variant Classification Sherloc (09022015). Collection method: clinical testing. Allele origin: germline.
Comment: Advanced modeling of protein sequence and biophysical properties (such as structural, functional, and spatial information, amino acid conservation, physicochemical variation, residue mobility, and thermodynamic stability) has been performed at Invitae for this missense variant, however the output from this modeling did not meet the statistical confidence thresholds required to predict the impact of this variant on CHD2 protein function. In summary, the currently available evidence indicates that the variant is pathogenic, but additional data are needed to prove that conclusively. Therefore, this variant has been classified as Likely Pathogenic. ClinVar contains an entry for this variant (Variation ID: 2013725). This missense change has been observed in individual(s) with clinical features of CHD2-related conditions (Invitae). In at least one individual the variant was observed to be de novo. This variant is not present in population databases (gnomAD no frequency). This sequence change replaces glycine, which is neutral and non-polar, with arginine, which is basic and polar, at codon 1130 of the CHD2 protein (p.Gly1130Arg).

NM_001271.4(CHD2):c.3388G>A (p.Gly1130Arg)

Gene: CHD2 (chromodomain helicase DNA binding protein 2; plus strand). Cytogenetic location: 15q26.1.
Variant type: single nucleotide variant.
Coding change: c.3388G>A on transcript NM_001271.4 (MANE Select); coding-DNA position 3388, G replaced by A.
Protein change: p.Gly1130Arg; replaces glycine 1130 with arginine.
Molecular consequence: missense variant.
Genome position (GRCh38, 1-based): chr15:92,985,648, G>A. VCF-style: chr15-92985648-G-A. GRCh37 (hg19) VCF-style: chr15-93528878-G-A.
Other names: short protein forms G1130R.
Identifiers: ClinVar variation 2013725 (VCV002013725.4), dbSNP rs2505562545, ClinGen allele CA393895810.